The following is an entry in ClinVar:

ClinVar aggregate classification (germline): Uncertain significance. Review status: criteria provided, multiple submitters, no conflicts (2 of 4 stars). 2 submissions from 2 submitters: Uncertain significance (2). Last evaluated 2025-08-28.

Allele frequency attached by ClinVar (database versions not stated): TOPMed 0.00002; gnomAD 0.00003; gnomAD exomes 0.00005; ExAC 0.00010; ESP Exome Variant Server 0.00015.
gnomAD v4.1: 74 of 1,605,448 alleles (0.0046%); highest among the groups gnomAD compares: Middle Eastern, 0.13%; no homozygotes.

Submissions (2):

Ambry Genetics
Classification: Uncertain significance. Last evaluated: 2025-08-28. Review status: criteria provided, single submitter. Criteria: Ambry Variant Classification Scheme 2023. Collection method: clinical testing. Allele origin: germline.

Labcorp Genetics (formerly Invitae), Labcorp
Classification: Uncertain significance. Last evaluated: 2025-04-09. Review status: criteria provided, single submitter. Criteria: Invitae Variant Classification Sherloc (09022015). Collection method: clinical testing. Allele origin: germline.
Comment: This sequence change replaces serine, which is neutral and polar, with leucine, which is neutral and non-polar, at codon 294 of the BLVRA protein (p.Ser294Leu). This variant is present in population databases (rs147378665, gnomAD 0.03%). This variant has not been reported in the literature in individuals affected with BLVRA-related conditions. ClinVar contains an entry for this variant (Variation ID: 3134440). An algorithm developed to predict the effect of missense changes on protein structure and function (PolyPhen-2) suggests that this variant is likely to be tolerated. In summary, the available evidence is currently insufficient to determine the role of this variant in disease. Therefore, it has been classified as a Variant of Uncertain Significance.

NM_000712.4(BLVRA):c.881C>T (p.Ser294Leu)

Gene: BLVRA (biliverdin reductase A; plus strand). Cytogenetic location: 7p13.
Variant type: single nucleotide variant.
Coding change: c.881C>T on transcript NM_000712.4 (MANE Select); coding-DNA position 881, C replaced by T.
Protein change: p.Ser294Leu; replaces serine 294 with leucine.
Molecular consequence: missense variant.
Genome position (GRCh38, 1-based): chr7:43,807,225, C>T. VCF-style: chr7-43807225-C-T. GRCh37 (hg19) VCF-style: chr7-43846824-C-T.
Other names: c.881C>T, p.Ser294Leu (NM_001253823.2); short protein forms S294L.
Identifiers: ClinVar variation 3134440 (VCV003134440.3), dbSNP rs147378665, ClinGen allele CA4234200.